The following is an entry in ClinVar:

NM_020937.4(FANCM):c.5680A>G (p.Ile1894Val)

Gene: FANCM (FA complementation group M; plus strand). Cytogenetic location: 14q21.2.
Variant type: single nucleotide variant.
Coding change: c.5680A>G on transcript NM_020937.4 (MANE Select); coding-DNA position 5680, A replaced by G.
Protein change: p.Ile1894Val; replaces isoleucine 1894 with valine.
Molecular consequence: missense variant.
Genome position (GRCh38, 1-based): chr14:45,196,511, A>G. VCF-style: chr14-45196511-A-G. GRCh37 (hg19) VCF-style: chr14-45665714-A-G.
Other names: c.5602A>G, p.Ile1868Val (NM_001308133.2); short protein forms I1868V, I1894V.
Identifiers: ClinVar variation 2973978 (VCV002973978.3), dbSNP rs2139320740, ClinGen allele CA389586409.
Genomic context (GRCh38, chr14:45,196,511, plus strand): 5'-AGTGTCAATAAGAACAAGTTCATTGAGCAGATCCAGCACCTGCAGAGTATGTTTGAAAGA[A>G]TATGTGTGATTGTGGAAAAGGACAGAGAAAAAACAGGTTTGTATTTTTAAATATCTTTGT-3'
Protein context (NP_065988.1, residues 1884-1904): IQHLQSMFER[Ile1894Val]CVIVEKDREK

ClinVar aggregate classification (germline): Uncertain significance (1 of 4 stars; one submission).

Conditions:
Fanconi anemia (FA). Also called: Fanconi's anemia. Identifiers: Orphanet 84, MedGen C0015625, MeSH D005199, MONDO:0019391.

Submission:

Labcorp Genetics (formerly Invitae), Labcorp
Classification: Uncertain significance for Fanconi anemia. Last evaluated: 2023-11-02. Review status: criteria provided, single submitter. Criteria: Invitae Variant Classification Sherloc (09022015). Collection method: clinical testing. Allele origin: germline.
Comment: This sequence change replaces isoleucine, which is neutral and non-polar, with valine, which is neutral and non-polar, at codon 1894 of the FANCM protein (p.Ile1894Val). This variant is not present in population databases (gnomAD no frequency). This variant has not been reported in the literature in individuals affected with FANCM-related conditions. Algorithms developed to predict the effect of missense changes on protein structure and function output the following: SIFT: "Not Available"; PolyPhen-2: "Benign"; Align-GVGD: "Not Available". The valine amino acid residue is found in multiple mammalian species, which suggests that this missense change does not adversely affect protein function. In summary, the available evidence is currently insufficient to determine the role of this variant in disease. Therefore, it has been classified as a Variant of Uncertain Significance.